The following is an entry in ClinVar:

NM_024312.5(GNPTAB):c.2936_2943del (p.Lys979fs)

Gene: GNPTAB (N-acetylglucosamine-1-phosphate transferase subunits alpha and beta; minus strand). Cytogenetic location: 12q23.2.
Variant type: Deletion.
Coding change: c.2936_2943del on transcript NM_024312.5 (MANE Select); coding-DNA positions 2936 to 2943, 8 bases deleted (AGACGTCA; older notation c.2936_2943delAGACGTCA).
Protein change: p.Lys979fs; shifts the reading frame from lysine 979.
Molecular consequence: frameshift variant.
Genome position (GRCh38, 1-based): chr12:101,761,319-101,761,326, TGACGTCT deleted on the plus strand (AGACGTCA on the coding strand, the reverse complement: GNPTAB is on the minus strand); deleting any 8 consecutive bases within chr12:101,761,319-101,761,328 gives the same sequence; the c. name uses the placement nearest the transcript's 3' end. VCF-style (leftmost placement, unchanged base first): chr12-101761318-ATGACGTCT-A. GRCh37 (hg19) VCF-style: chr12-102155096-ATGACGTCT-A.
Other names: short protein forms K979fs.
Identifiers: ClinVar variation 2949680 (VCV002949680.3), dbSNP rs2547954482, ClinGen allele CA2740092558.

ClinVar aggregate classification (germline): Pathogenic (1 of 4 stars; one submission).

Conditions:
Mucolipidosis type II. Also called: ML II ALPHA/BETA; Mucolipidosis 2; ML 2; Inclusion cell disease; Leroy Disease; N-acetylglucosamine 1phosphotransferase deficiency. Identifiers: Orphanet 576, MedGen C2673377, MONDO:0009650, OMIM 252500.
Pseudo-Hurler polydystrophy. Also called: ML III; ML III ALPHA/BETA; Type III Mucolipidosis; ML IIIA; Mucolipidosis III Alpha/Beta; MUCOLIPIDOSIS IIIA. Identifiers: Orphanet 423461, Orphanet 577, MedGen C0033788, MONDO:0018931, OMIM 252600.

Submission:

Labcorp Genetics (formerly Invitae), Labcorp
Classification: Pathogenic for Pseudo-Hurler polydystrophy; Mucolipidosis type II. Last evaluated: 2023-07-08. Review status: criteria provided, single submitter. Criteria: Invitae Variant Classification Sherloc (09022015). Collection method: clinical testing. Allele origin: germline.
Comment: For these reasons, this variant has been classified as Pathogenic. Algorithms developed to predict the effect of sequence changes on RNA splicing suggest that this variant may disrupt the consensus splice site. This variant has not been reported in the literature in individuals affected with GNPTAB-related conditions. This variant is not present in population databases (gnomAD no frequency). This sequence change creates a premature translational stop signal (p.Lys979Ilefs*8) in the GNPTAB gene. It is expected to result in an absent or disrupted protein product. Loss-of-function variants in GNPTAB are known to be pathogenic (PMID: 19617216, 25107912).

Literature cited by the submitters: PubMed 19617216; PubMed 25107912.